The following is an entry in ClinVar:

NM_152383.5(DIS3L2):c.1744G>A (p.Val582Met)

Gene: DIS3L2 (DIS3 like 3'-5' exoribonuclease 2; plus strand). Cytogenetic location: 2q37.1.
Variant type: single nucleotide variant.
Coding change: c.1744G>A on transcript NM_152383.5 (MANE Select); coding-DNA position 1744, G replaced by A.
Protein change: p.Val582Met; replaces valine 582 with methionine.
Molecular consequence: missense variant. On other transcripts: intron variant (1).
Genome position (GRCh38, 1-based): chr2:232,329,817, G>A. VCF-style: chr2-232329817-G-A. GRCh37 (hg19) VCF-style: chr2-233194527-G-A.
Other names: c.1582-13528G>A (NM_001257281.2); short protein forms V582M.
Identifiers: ClinVar variation 943588 (VCV000943588.9), dbSNP rs1695681070, ClinGen allele CA350975920.
Genomic context (GRCh38, chr2:232,329,817, plus strand): 5'-CTGCGCACCTGTCCCCAAACCCCAGCGGTCCCTCCCATCCCACCCACCCTCTGCAGGCTC[G>A]TGGAGGAGTTCATGCTCTTGGCCAACATGGCAGTGGCCCACAAGATCCACCGCGCCTTCC-3'
Protein context (NP_689596.4, residues 572-592): IYEYRESNKL[Val582Met]EEFMLLANMA

ClinVar aggregate classification (germline): Uncertain significance (1 of 4 stars; one submission).

Conditions:
Perlman syndrome (PRLMNS). Identifiers: Orphanet 2849, MedGen C0796113, MONDO:0009965, OMIM 267000.

Allele frequency attached by ClinVar (database versions not stated): gnomAD 0.00001.
gnomAD v4.1: 3 of 904,678 alleles (0.00033%); highest among the groups gnomAD compares: African/African-American, 0.0021%; no homozygotes.

Submission:

Labcorp Genetics (formerly Invitae), Labcorp
Classification: Uncertain significance for Perlman syndrome. Last evaluated: 2020-02-09. Review status: criteria provided, single submitter. Criteria: Invitae Variant Classification Sherloc (09022015). Collection method: clinical testing. Allele origin: germline.
Comment: This sequence change replaces valine with methionine at codon 582 of the DIS3L2 protein (p.Val582Met). The valine residue is highly conserved and there is a small physicochemical difference between valine and methionine. This variant is not present in population databases (ExAC no frequency). This variant has not been reported in the literature in individuals with DIS3L2-related conditions. Algorithms developed to predict the effect of missense changes on protein structure and function are either unavailable or do not agree on the potential impact of this missense change (SIFT: "Deleterious"; PolyPhen-2: "Probably Damaging"; Align-GVGD: "Class C0"). In summary, the available evidence is currently insufficient to determine the role of this variant in disease. Therefore, it has been classified as a Variant of Uncertain Significance.